The following is an entry in ClinVar:

ClinVar aggregate classification (germline): Pathogenic. Review status: criteria provided, single submitter (1 of 4 stars). 3 submissions from 3 submitters: Pathogenic (1). 2 of the submissions do not count toward it. Last evaluated 2024-12-04.

Conditions:
Hereditary hyperferritinemia with congenital cataracts. Also called: HYPERFERRITINEMIA WITH OR WITHOUT CATARACT; Hereditary hyperferritinemia cataract syndrome; Bonneau-Beaumont syndrome. Identifiers: Orphanet 163, MedGen C1833213, MONDO:0010952, OMIM 600886.
Neuroferritinopathy (NBIA3). Also called: NEURODEGENERATION WITH BRAIN IRON ACCUMULATION 3; BASAL GANGLIA DISEASE, ADULT-ONSET. Identifiers: Orphanet 157846, MedGen C1853578, MONDO:0011638, OMIM 606159.

Allele frequency attached by ClinVar (database versions not stated): gnomAD exomes below 0.00001.

Submissions (3):

Labcorp Genetics (formerly Invitae), Labcorp
Classification: Pathogenic for Neuroferritinopathy; Hereditary hyperferritinemia with congenital cataracts. Last evaluated: 2024-12-04. Review status: criteria provided, single submitter. Criteria: Invitae Variant Classification Sherloc (09022015). Collection method: clinical testing. Allele origin: germline.
Comment: This sequence change results in a frameshift in the FTL gene (p.Arg154Lysfs*27). While this is not anticipated to result in nonsense mediated decay, it is expected to disrupt the last 22 amino acid(s) of the FTL protein and extend the protein by 4 additional amino acid residues. This variant is not present in population databases (gnomAD no frequency). This frameshift has been observed in individuals with autosomal dominant neurodegeneration with brain iron accumulation (PMID: 11438811, 25832658). It has also been observed to segregate with disease in related individuals. ClinVar contains an entry for this variant (Variation ID: 1698387). This variant is located in a region of the FTL protein where a significant number of FTL frameshift mutations are have been reported in association with autosomal dominant neurodegeneration with brain iron accumulation (PMID: 36233161, 15099026, 11438811, 25832658). For these reasons, this variant has been classified as Pathogenic.

OMIM
Classification: Pathogenic for NEURODEGENERATION WITH BRAIN IRON ACCUMULATION 3. Last evaluated: 2009-06-01. Review status: no assertion criteria provided. Collection method: literature only. Allele origin: germline. Not counted in ClinVar's aggregate classification.

GeneReviews
No classification provided. Condition: Neuroferritinopathy. Review status: no classification provided. Collection method: literature only. Allele origin: germline. Not counted in ClinVar's aggregate classification.

Literature cited by the submitters: PubMed 11438811 (cited by Labcorp Genetics (formerly Invitae), Labcorp and OMIM); PubMed 25832658 (cited by Labcorp Genetics (formerly Invitae), Labcorp); PubMed 36233161 (cited by Labcorp Genetics (formerly Invitae), Labcorp); PubMed 15099026 (cited by Labcorp Genetics (formerly Invitae), Labcorp); PubMed 12746423 (cited by OMIM); PubMed 18854324 (cited by OMIM); NCBI Bookshelf NBK1141 (cited by GeneReviews).

NM_000146.4(FTL):c.460dup (p.Arg154fs)

Gene: FTL (ferritin light chain; plus strand). Cytogenetic location: 19q13.33.
Variant type: Duplication.
Coding change: c.460dup on transcript NM_000146.4 (MANE Select); coding-DNA position 460, one base duplicated (A; older notation c.460dupA).
Protein change: p.Arg154fs; shifts the reading frame from arginine 154.
Molecular consequence: frameshift variant.
Genome position (GRCh38, 1-based): chr19:48,966,667, A duplicated. VCF-style (leftmost placement, unchanged base first): chr19-48966666-C-CA. GRCh37 (hg19) VCF-style: chr19-49469923-C-CA.
Other names: short protein forms R154fs.
Identifiers: ClinVar variation 1698387 (VCV001698387.8), dbSNP rs2122436083, ClinGen allele CA2580097522.